The following is an entry in ClinVar:

ClinVar aggregate classification (germline): Benign. Review status: criteria provided, single submitter (1 of 4 stars). 3 submissions from 1 submitter: Benign (3). Last evaluated 2018-01-13.

Conditions:
Age related macular degeneration 5. Identifiers: MedGen C3151063, MONDO:0013409, OMIM 613761.
Cerebrooculofacioskeletal syndrome 1 (COFS1). Also called: Cerebro-oculo-facio-skeletal syndrome 1. Identifiers: MedGen C0220722, MONDO:0008955, OMIM 214150.
Cockayne syndrome type 2 (CSB). Also called: Cockayne Syndrome, Type II; COCKAYNE SYNDROME B. Identifiers: Orphanet 191, Orphanet 90322, MedGen C0751038, MONDO:0019570, OMIM 133540.

Allele frequency attached by ClinVar (database versions not stated): gnomAD 0.00637 and 0.00673; TOPMed 0.00764; 1000 Genomes Project 0.00839; 1000 Genomes Project 30x 0.00843.

Submissions (3):

Illumina Laboratory Services, Illumina
Classification: Benign for Cockayne syndrome type 2. Last evaluated: 2018-01-13. Review status: criteria provided, single submitter. Criteria: ICSL Variant Classification Criteria 13 December 2019. Collection method: clinical testing. Allele origin: germline.
Comment: This variant was observed in the ICSL laboratory as part of a predisposition screen in an ostensibly healthy population. It had not been previously curated by ICSL or reported in the Human Gene Mutation Database (HGMD: prior to June 1st, 2018), and was therefore a candidate for classification through an automated scoring system. Utilizing variant allele frequency, disease prevalence and penetrance estimates, and inheritance mode, an automated score was calculated to assess if this variant is too frequent to cause the disease. Based on the score and internal cut-off values, a variant classified as benign is not then subjected to further curation. The score for this variant resulted in a classification of benign for this disease.

Illumina Laboratory Services, Illumina
Classification: Benign for Age related macular degeneration 5. Last evaluated: 2018-01-13. Review status: criteria provided, single submitter. Criteria: ICSL Variant Classification Criteria 13 December 2019. Collection method: clinical testing. Allele origin: germline.
Comment: the same text as in the submission from Illumina Laboratory Services, Illumina above.

Illumina Laboratory Services, Illumina
Classification: Benign for Cerebrooculofacioskeletal syndrome 1. Last evaluated: 2018-01-13. Review status: criteria provided, single submitter. Criteria: ICSL Variant Classification Criteria 13 December 2019. Collection method: clinical testing. Allele origin: germline.
Comment: the same text as in the submission from Illumina Laboratory Services, Illumina above.

NM_000124.4(ERCC6):c.*1872C>T

Gene: ERCC6 (ERCC excision repair 6, chromatin remodeling factor; minus strand). Cytogenetic location: 10q11.23.
Variant type: single nucleotide variant.
Coding change: c.*1872C>T on transcript NM_000124.4 (MANE Select); 1872 bases downstream of the stop codon, C replaced by T.
Molecular consequence: 3 prime UTR variant.
Genome position (GRCh38, 1-based): chr10:49,456,943, G>A on the plus strand (C>T on the coding strand, the complement: ERCC6 is on the minus strand). VCF-style: chr10-49456943-G-A. GRCh37 (hg19) VCF-style: chr10-50664989-G-A.
Other names: c.*1872C>T (NM_001346440.2).
Identifiers: ClinVar variation 300007 (VCV000300007.5), dbSNP rs115281814, ClinGen allele CA10635395.